The following is an entry in ClinVar:

NM_001042492.3(NF1):c.5132G>C (p.Cys1711Ser)

Gene: NF1 (neurofibromin 1; plus strand). Cytogenetic location: 17q11.2.
Variant type: single nucleotide variant.
Coding change: c.5132G>C on transcript NM_001042492.3 (MANE Select); coding-DNA position 5132, G replaced by C.
Protein change: p.Cys1711Ser; replaces cysteine 1711 with serine.
Molecular consequence: missense variant.
Genome position (GRCh38, 1-based): chr17:31,326,116, G>C. VCF-style: chr17-31326116-G-C. GRCh37 (hg19) VCF-style: chr17-29653134-G-C.
Other names: c.5069G>C, p.Cys1690Ser (NM_000267.4); short protein forms C1690S, C1711S.
Identifiers: ClinVar variation 1683881 (VCV001683881.2), dbSNP rs1567611549, ClinGen allele CA399007760.

ClinVar aggregate classification (germline): Uncertain significance (1 of 4 stars; one submission).

Submission:

GeneDx
Classification: Uncertain significance. Last evaluated: 2021-10-27. Review status: criteria provided, single submitter. Criteria: GeneDx Variant Classification Process June 2021. Collection method: clinical testing. Allele origin: germline. Affected: yes.
Comment: Not observed at significant frequency in large population cohorts (gnomAD); In silico analysis supports that this missense variant does not alter protein structure/function; Has not been previously published as pathogenic or benign to our knowledge